The following is an entry in ClinVar:

ClinVar aggregate classification (germline): Conflicting classifications of pathogenicity. Review status: criteria provided, conflicting classifications (1 of 4 stars). 4 submissions from 4 submitters: Uncertain significance (1); Benign (1); Likely benign (2). Last evaluated 2025-09-24.

Conditions:
Inborn genetic diseases. Identifiers: MedGen C0950123, MeSH D030342.
CHD8-related disorder. Also called: CHD8-related disorders; CHD8-related condition.

Allele frequency attached by ClinVar (database versions not stated): gnomAD 0.00001 and 0.00007; TOPMed 0.00002; gnomAD exomes 0.00027; ExAC 0.00058; 1000 Genomes Project 30x 0.00062; 1000 Genomes Project 0.00080.
gnomAD v4.1: 154 of 1,556,820 alleles (0.0099%); highest among the groups gnomAD compares: South Asian, 0.16%; no homozygotes.

Submissions (4):

PreventionGenetics, part of Exact Sciences
Classification: Likely benign for CHD8-related condition. Last evaluated: 2025-09-24. Review status: criteria provided, single submitter. Criteria: ACMG Guidelines, 2015. Collection method: clinical testing. Allele origin: germline.
Comment: This variant is classified as likely benign based on ACMG/AMP sequence variant interpretation guidelines (Richards et al. 2015 PMID: 25741868, with internal and published modifications).

Labcorp Genetics (formerly Invitae), Labcorp
Classification: Likely benign. Last evaluated: 2025-06-22. Review status: criteria provided, single submitter. Criteria: Invitae Variant Classification Sherloc (09022015). Collection method: clinical testing. Allele origin: germline.

GeneDx
Classification: Benign. Last evaluated: 2021-03-08. Review status: criteria provided, single submitter. Criteria: GeneDx Variant Classification Process June 2021. Collection method: clinical testing. Allele origin: germline. Affected: yes.

Ambry Genetics
Classification: Uncertain significance for Inborn genetic diseases. Last evaluated: 2017-03-02. Review status: criteria provided, single submitter. Criteria: Ambry Variant Classification Scheme 2023. Collection method: clinical testing. Allele origin: germline.
Comment: The p.R2418Q variant (also known as c.7253G>A), located in coding exon 37 of the CHD8 gene, results from a G to A substitution at nucleotide position 7253. The arginine at codon 2418 is replaced by glutamine, an amino acid with highly similar properties. This amino acid position is highly conserved in available vertebrate species. In addition, the in silico prediction for this alteration is inconclusive. Since supporting evidence is limited at this time, the clinical significance of this alteration remains unclear.

NM_001170629.2(CHD8):c.7253G>A (p.Arg2418Gln)

Gene: CHD8 (chromodomain helicase DNA binding protein 8; minus strand). Cytogenetic location: 14q11.2.
Variant type: single nucleotide variant.
Coding change: c.7253G>A on transcript NM_001170629.2 (MANE Select); coding-DNA position 7253, G replaced by A.
Protein change: p.Arg2418Gln; replaces arginine 2418 with glutamine.
Molecular consequence: missense variant.
Genome position (GRCh38, 1-based): chr14:21,386,106, C>T on the plus strand (G>A on the coding strand, the complement: CHD8 is on the minus strand). VCF-style: chr14-21386106-C-T. GRCh37 (hg19) VCF-style: chr14-21854265-C-T.
Other names: c.6416G>A, p.Arg2139Gln (NM_020920.4); short protein forms R2139Q, R2418Q.
Identifiers: ClinVar variation 589548 (VCV000589548.15), dbSNP rs573063062, ClinGen allele CA7090569.
Genomic context (GRCh38, chr14:21,386,106, plus strand): 5'-GTGCTTCCACCCTGCATGAGGGCCATCATCTTAGAAAGGTCTGGTCGCATCCTACGGGCC[C>T]GCTTCTTGCTGCTCTCTGGTGCAATAGGCCCTGGCAAAACCCGGTTGAACACCGTTTCAG-3'
Protein context (NP_001164100.1, residues 2408-2428): GPIAPESSKK[Arg2418Gln]ARRMRPDLSK